The following is an entry in ClinVar:

NM_024757.5(EHMT1):c.1617G>T (p.Gln539His)

Genes: EHMT1 (euchromatic histone lysine methyltransferase 1; plus strand), LOC130003148 (ATAC-STARR-seq lymphoblastoid active region 29369; plus strand). Cytogenetic location: 9q34.3.
Variant type: single nucleotide variant.
Coding change: c.1617G>T on transcript NM_024757.5 (MANE Select); coding-DNA position 1617, G replaced by T.
Protein change: p.Gln539His; replaces glutamine 539 with histidine.
Molecular consequence: missense variant.
Genome position (GRCh38, 1-based): chr9:137,762,790, G>T. VCF-style: chr9-137762790-G-T. GRCh37 (hg19) VCF-style: chr9-140657242-G-T.
Other names: c.1617G>T, p.Gln539His (NM_001145527.2, NM_001354611.2); c.1524G>T, p.Gln508His (NM_001354259.2, NM_001354612.2); c.1596G>T, p.Gln532His (NM_001354263.2); short protein forms Q508H, Q532H, Q539H.
Identifiers: ClinVar variation 1302397 (VCV001302397.2), dbSNP rs757552592, ClinGen allele CA375769598.
Genomic context (GRCh38, chr9:137,762,790, plus strand): 5'-CTGCAGCTGCCGGATGGAAACACCGAAGAGTCGAGAGATCACCACACTGGCCAACAACCA[G>T]TGCATGGCTACAGAGAGCGTGGACCATGAAGTAAGCACGTTTGTTTTCATTTAAAGCAGC-3'
Protein context (NP_079033.4, residues 529-549): SREITTLANN[Gln539His]CMATESVDHE

ClinVar aggregate classification (germline): Uncertain significance (1 of 4 stars; one submission).

Submission:

GeneDx
Classification: Uncertain significance. Last evaluated: 2021-08-30. Review status: criteria provided, single submitter. Criteria: GeneDx Variant Classification Process June 2021. Collection method: clinical testing. Allele origin: germline. Affected: yes.
Comment: Not observed in large population cohorts (Lek et al., 2016); In silico analysis supports that this missense variant does not alter protein structure/function; Has not been previously published as pathogenic or benign to our knowledge